The following is an entry in ClinVar:

ClinVar aggregate classification (germline): Uncertain significance. Review status: criteria provided, multiple submitters, no conflicts (2 of 4 stars). 2 submissions from 2 submitters: Uncertain significance (2). Last evaluated 2023-11-27.

Conditions:
Primary dilated cardiomyopathy (DCM). Also called: Dilated Cardiomyopathy. Identifiers: Orphanet 217604, MedGen C0007193, MeSH D002311, MONDO:0005021, HP:0001644. Inheritance: Various modes of inheritance.
Cardiovascular phenotype. Identifiers: MedGen CN230736.

Allele frequency attached by ClinVar (database versions not stated): ExAC 0.00001; gnomAD 0.00001; gnomAD exomes 0.00001; TOPMed 0.00002.
gnomAD v4.1: 10 of 1,607,086 alleles (0.00062%); highest among the groups gnomAD compares: South Asian, 0.0011%; no homozygotes.

Submissions (2):

Labcorp Genetics (formerly Invitae), Labcorp
Classification: Uncertain significance for Primary dilated cardiomyopathy. Last evaluated: 2023-11-27. Review status: criteria provided, single submitter. Criteria: Invitae Variant Classification Sherloc (09022015). Collection method: clinical testing. Allele origin: germline.
Comment: This sequence change replaces valine, which is neutral and non-polar, with phenylalanine, which is neutral and non-polar, at codon 224 of the TXNRD2 protein (p.Val224Phe). The frequency data for this variant in the population databases is considered unreliable, as metrics indicate poor data quality at this position in the gnomAD database. This variant has not been reported in the literature in individuals affected with TXNRD2-related conditions. ClinVar contains an entry for this variant (Variation ID: 1755042). Advanced modeling of protein sequence and biophysical properties (such as structural, functional, and spatial information, amino acid conservation, physicochemical variation, residue mobility, and thermodynamic stability) has been performed at Invitae for this missense variant, however the output from this modeling did not meet the statistical confidence thresholds required to predict the impact of this variant on TXNRD2 protein function. In summary, the available evidence is currently insufficient to determine the role of this variant in disease. Therefore, it has been classified as a Variant of Uncertain Significance.

Ambry Genetics
Classification: Uncertain significance for Cardiovascular phenotype. Last evaluated: 2022-01-07. Review status: criteria provided, single submitter. Criteria: Ambry Variant Classification Scheme 2023. Collection method: clinical testing. Allele origin: germline.
Comment: The p.V224F variant (also known as c.670G>T), located in coding exon 9 of the TXNRD2 gene, results from a G to T substitution at nucleotide position 670. The valine at codon 224 is replaced by phenylalanine, an amino acid with highly similar properties. This amino acid position is conserved. In addition, this alteration is predicted to be deleterious by in silico analysis. Since supporting evidence is limited at this time, the clinical significance of this alteration remains unclear.

NM_006440.5(TXNRD2):c.670G>T (p.Val224Phe)

Gene: TXNRD2 (thioredoxin reductase 2; minus strand). Cytogenetic location: 22q11.21.
Variant type: single nucleotide variant.
Coding change: c.670G>T on transcript NM_006440.5 (MANE Select); coding-DNA position 670, G replaced by T.
Protein change: p.Val224Phe; replaces valine 224 with phenylalanine.
Molecular consequence: missense variant. On other transcripts: non-coding transcript variant (1).
Genome position (GRCh38, 1-based): chr22:19,899,061, C>A on the plus strand (G>T on the coding strand, the complement: TXNRD2 is on the minus strand). VCF-style: chr22-19899061-C-A. GRCh37 (hg19) VCF-style: chr22-19886584-C-A.
Other names: c.670G>T, p.Val224Phe (NM_001282512.3); c.667G>T, p.Val223Phe (NM_001352300.2); c.580G>T, p.Val194Phe (NM_001352301.2); c.382G>T, p.Val128Phe (NM_001352302.2); c.574G>T, p.Val192Phe (NM_001352303.2); short protein forms V128F, V224F, V192F, V194F, V223F.
Identifiers: ClinVar variation 1755042 (VCV001755042.5), dbSNP rs754609974, ClinGen allele CA10104031.